The following is an entry in ClinVar:

ClinVar aggregate classification (germline): Uncertain significance (1 of 4 stars; one submission).

Conditions:
Brugada syndrome 4 (BRGDA4). Identifiers: Orphanet 130, MedGen C2678477, MONDO:0012743, OMIM 611876.

Submission:

Labcorp Genetics (formerly Invitae), Labcorp
Classification: Uncertain significance for Brugada syndrome 4. Last evaluated: 2022-06-23. Review status: criteria provided, single submitter. Criteria: Invitae Variant Classification Sherloc (09022015). Collection method: clinical testing. Allele origin: germline.
Comment: In summary, the available evidence is currently insufficient to determine the role of this variant in disease. Therefore, it has been classified as a Variant of Uncertain Significance. Algorithms developed to predict the effect of missense changes on protein structure and function are either unavailable or do not agree on the potential impact of this missense change (SIFT: "Deleterious"; PolyPhen-2: "Probably Damaging"; Align-GVGD: "Class C0"). This variant has not been reported in the literature in individuals affected with CACNB2-related conditions. This variant is not present in population databases (gnomAD no frequency). This sequence change replaces aspartic acid, which is acidic and polar, with asparagine, which is neutral and polar, at codon 184 of the CACNB2 protein (p.Asp184Asn).

NM_201596.3(CACNB2):c.712G>A (p.Asp238Asn)

Gene: CACNB2 (calcium voltage-gated channel auxiliary subunit beta 2; plus strand). Cytogenetic location: 10p12.31.
Variant type: single nucleotide variant.
Coding change: c.712G>A on transcript NM_201596.3 (MANE Select); coding-DNA position 712, G replaced by A.
Protein change: p.Asp238Asn; replaces aspartic acid 238 with asparagine.
Molecular consequence: missense variant. On other transcripts: intron variant (5).
Genome position (GRCh38, 1-based): chr10:18,514,277, G>A. VCF-style: chr10-18514277-G-A. GRCh37 (hg19) VCF-style: chr10-18803206-G-A.
Other names: c.547G>A, p.Asp183Asn (NM_000724.4); c.568G>A, p.Asp190Asn (NM_201570.3); c.628G>A, p.Asp210Asn (NM_201571.4); c.550G>A, p.Asp184Asn (NM_201590.3); c.587-234G>A (NM_001167945.2); c.587-703G>A (NM_201572.4); c.671-234G>A (NM_201593.3); c.671-703G>A (NM_201597.3); and 1 more; short protein forms D238N, D184N, D210N, D183N, D190N.
Identifiers: ClinVar variation 2009923 (VCV002009923.4), dbSNP rs2051058711, ClinGen allele CA376060589.